The following is an entry in ClinVar:

ClinVar aggregate classification (germline): Uncertain significance (1 of 4 stars; one submission).

Submission:

GeneDx
Classification: Uncertain significance. Last evaluated: 2022-03-28. Review status: criteria provided, single submitter. Criteria: GeneDx Variant Classification Process June 2021. Collection method: clinical testing. Allele origin: germline. Affected: yes.
Comment: Not observed at significant frequency in large population cohorts (gnomAD); In silico analysis supports that this missense variant does not alter protein structure/function; Has not been previously published as pathogenic or benign to our knowledge; Variants in candidate genes are classified as variants of uncertain significance in accordance with ACMG guidelines (Richards et al., 2015)

NM_033026.6(PCLO):c.454A>G (p.Met152Val)

Gene: PCLO (piccolo presynaptic cytomatrix protein; minus strand). Cytogenetic location: 7q21.11.
Variant type: single nucleotide variant.
Coding change: c.454A>G on transcript NM_033026.6 (MANE Select); coding-DNA position 454, A replaced by G.
Protein change: p.Met152Val; replaces methionine 152 with valine.
Molecular consequence: missense variant.
Genome position (GRCh38, 1-based): chr7:83,156,187, T>C on the plus strand (A>G on the coding strand, the complement: PCLO is on the minus strand). VCF-style: chr7-83156187-T-C. GRCh37 (hg19) VCF-style: chr7-82785503-T-C.
Other names: c.454A>G, p.Met152Val (NM_014510.3); short protein forms M152V.
Identifiers: ClinVar variation 3903222 (VCV003903222.1).